The following is an entry in ClinVar:

ClinVar aggregate classification (germline): Pathogenic (1 of 4 stars; one submission).

Submission:

GeneDx
Classification: Pathogenic. Last evaluated: 2026-02-02. Review status: criteria provided, single submitter. Criteria: GeneDx Variant Classification Process June 2021. Collection method: clinical testing. Allele origin: germline.
Comment: This substitution is predicted to be in the cytoplasmic loop between the third and fourth homologous domains; Not observed at significant frequency in large population cohorts (gnomAD); In silico analysis supports that this missense variant has a deleterious effect on protein structure/function; Has not been previously published as pathogenic or benign to our knowledge; This variant is associated with the following publications: (PMID: 29655203, 34015165)

NM_001040142.2(SCN2A):c.4493A>G (p.Tyr1498Cys)

Gene: SCN2A (sodium voltage-gated channel alpha subunit 2; plus strand). Cytogenetic location: 2q24.3.
Variant type: single nucleotide variant.
Coding change: c.4493A>G on transcript NM_001040142.2 (MANE Select); coding-DNA position 4493, A replaced by G.
Protein change: p.Tyr1498Cys; replaces tyrosine 1498 with cysteine.
Molecular consequence: missense variant.
Genome position (GRCh38, 1-based): chr2:165,381,139, A>G. VCF-style: chr2-165381139-A-G. GRCh37 (hg19) VCF-style: chr2-166237649-A-G.
Other names: c.4493A>G, p.Tyr1498Cys (NM_001040143.2, NM_001371246.1, NM_001371247.1 and 1 more transcripts); short protein forms Y1498C.
Identifiers: ClinVar variation 4975069 (VCV004975069.1).
Genomic context (GRCh38, chr2:165,381,139, plus strand): 5'-TTTCATTTCTTTACTTTGGAGGTCAAGACATTTTTATGACAGAAGAACAGAAGAAATACT[A>G]CAATGCAATGAAAAAACTGGGTTCAAAGAAACCACAAAAACCCATACCTCGACCTGCTGT-3'
Protein context (NP_001035232.1, residues 1488-1508): IFMTEEQKKY[Tyr1498Cys]NAMKKLGSKK